The following is an entry in ClinVar:

ClinVar aggregate classification (germline): Uncertain significance. Review status: criteria provided, multiple submitters, no conflicts (2 of 4 stars). 3 submissions from 3 submitters: Uncertain significance (3). Last evaluated 2024-11-24.

Conditions:
Inborn genetic diseases. Identifiers: MedGen C0950123, MeSH D030342.
Fanconi anemia complementation group G. Also called: Fanconi anemia group G; FANCG-Related Fanconi Anemia. Identifiers: Orphanet 84, MedGen C3469527, MONDO:0013565, OMIM 614082.
Fanconi anemia (FA). Also called: Fanconi's anemia. Identifiers: Orphanet 84, MedGen C0015625, MeSH D005199, MONDO:0019391.

Allele frequency attached by ClinVar (database versions not stated): gnomAD exomes below 0.00001; ExAC 0.00001.

Submissions (3):

Ambry Genetics
Classification: Uncertain significance for Inborn genetic diseases. Last evaluated: 2024-11-24. Review status: criteria provided, single submitter. Criteria: Ambry Variant Classification Scheme 2023. Collection method: clinical testing. Allele origin: germline.
Comment: The p.A138P variant (also known as c.412G>C), located in coding exon 4 of the FANCG gene, results from a G to C substitution at nucleotide position 412. The alanine at codon 138 is replaced by proline, an amino acid with highly similar properties. This amino acid position is conserved. In addition, this alteration is predicted to be tolerated by in silico analysis. Based on the available evidence, the clinical significance of this variant remains unclear.

St. Jude Molecular Pathology, St. Jude Children's Research Hospital
Classification: Uncertain significance for Fanconi anemia complementation group G. Last evaluated: 2023-12-13. Review status: criteria provided, single submitter. Criteria: St. Jude Assertion Criteria 2020. Collection method: clinical testing. Allele origin: germline.
Comment: The FANCG c.412G>C (p.Ala138Pro) missense change has a maximum subpopulation frequency of 0.01% in gnomAD v2.1.1. The in silico tool REVEL predicts a benign effect on protein function, but to our knowledge this prediction has not been confirmed by functional studies. To our knowledge, this variant has not been reported in individuals with Fanconi anemia. In summary, the evidence currently available is insufficient to determine the clinical significance of this variant. It has therefore been classified as of uncertain significance.

Labcorp Genetics (formerly Invitae), Labcorp
Classification: Uncertain significance for Fanconi anemia. Last evaluated: 2021-09-01. Review status: criteria provided, single submitter. Criteria: Invitae Variant Classification Sherloc (09022015). Collection method: clinical testing. Allele origin: germline.
Comment: This sequence change replaces alanine with proline at codon 138 of the FANCG protein (p.Ala138Pro). The alanine residue is weakly conserved and there is a small physicochemical difference between alanine and proline. This variant is present in population databases (rs765854950, ExAC 0.01%). This variant has not been reported in the literature in individuals affected with FANCG-related conditions. Algorithms developed to predict the effect of missense changes on protein structure and function output the following: SIFT: "Tolerated"; PolyPhen-2: "Benign"; Align-GVGD: "Class C0". The proline amino acid residue is found in multiple mammalian species, which suggests that this missense change does not adversely affect protein function. In summary, the available evidence is currently insufficient to determine the role of this variant in disease. Therefore, it has been classified as a Variant of Uncertain Significance.

NM_004629.2(FANCG):c.412G>C (p.Ala138Pro)

Gene: FANCG (FA complementation group G; minus strand). Cytogenetic location: 9p13.3.
Variant type: single nucleotide variant.
Coding change: c.412G>C on transcript NM_004629.2 (MANE Select); coding-DNA position 412, G replaced by C.
Protein change: p.Ala138Pro; replaces alanine 138 with proline.
Molecular consequence: missense variant.
Genome position (GRCh38, 1-based): chr9:35,078,239, C>G on the plus strand (G>C on the coding strand, the complement: FANCG is on the minus strand). VCF-style: chr9-35078239-C-G. GRCh37 (hg19) VCF-style: chr9-35078236-C-G.
Other names: short protein forms A138P.
Identifiers: ClinVar variation 2062238 (VCV002062238.3), dbSNP rs765854950, ClinGen allele CA5040053.